The following is an entry in ClinVar:

ClinVar aggregate classification (germline): Pathogenic (1 of 4 stars; one submission).

Conditions:
Diamond-Blackfan anemia. Also called: Blackfan Diamond syndrome; Aregenerative anemia chronic congenital; Red cell aplasia, pure hereditary; Congenital hypoplastic anemia; Aase syndrome. Identifiers: Orphanet 124, MedGen C1260899, MeSH D029503, MONDO:0015253, HP:0004810.
GATA binding protein 1 related thrombocytopenia with dyserythropoiesis. Also called: GATA1-Related Cytopenia; GATA1-Related X-Linked Cytopenia. Identifiers: MedGen C1845837, MONDO:0100089.

Submission:

Labcorp Genetics (formerly Invitae), Labcorp
Classification: Pathogenic for GATA binding protein 1 related thrombocytopenia with dyserythropoiesis; Diamond-Blackfan anemia. Last evaluated: 2025-09-26. Review status: criteria provided, single submitter. Criteria: Invitae Variant Classification Sherloc (09022015). Collection method: clinical testing. Allele origin: germline.
Comment: This sequence change creates a premature translational stop signal (p.Arg64Serfs*2) in the GATA1 gene. It is expected to result in an absent or disrupted protein product. Loss-of-function variants in GATA1 are known to be pathogenic (PMID: 16783379, 22706301, 23704091, 24453067). This variant is not present in population databases (gnomAD no frequency). This variant has not been reported in the literature in individuals affected with GATA1-related conditions. ClinVar contains an entry for this variant (Variation ID: 1414934). For these reasons, this variant has been classified as Pathogenic.

Literature cited by the submitters: PubMed 16783379; PubMed 22706301; PubMed 23704091; PubMed 24453067.

NM_002049.4(GATA1):c.192_196del (p.Arg64fs)

Gene: GATA1 (GATA binding protein 1; plus strand). Cytogenetic location: Xp11.23.
Variant type: Deletion.
Coding change: c.192_196del on transcript NM_002049.4 (MANE Select); coding-DNA positions 192 to 196, 5 bases deleted (GGACG; older notation c.192_196delGGACG).
Protein change: p.Arg64fs; shifts the reading frame from arginine 64.
Molecular consequence: frameshift variant.
Genome position (GRCh38, 1-based): chrX:48,791,301-48,791,305, GGACG deleted; deleting any 5 consecutive bases within chrX:48,791,300-48,791,305 gives the same sequence; the c. name uses the placement nearest the transcript's 3' end. VCF-style (leftmost placement, unchanged base first): chrX-48791299-AGGGAC-A. GRCh37 (hg19) VCF-style: chrX-48649706-AGGGAC-A.
Other names: short protein forms R64fs.
Identifiers: ClinVar variation 1414934 (VCV001414934.6), dbSNP rs2147305736, ClinGen allele CA2573158946.
Genomic context (GRCh38, chrX:48,791,299, plus strand): 5'-GCAGCTTCCTCCACTGCCCCGAGCACAGCCACCGCTGCAGCTGCGGCACTGGCCTACTAC[AGGGAC>A]GCTGAGGCCTACAGACACTCCCCAGGTAACTCCATTGAGTGGCTGTCTTGGCATTGGCTG-3'